The following is an entry in ClinVar:

NM_153240.5(NPHP3):c.3357_3379dup (p.Leu1127delinsProTer)

Genes: NPHP3 (nephrocystin 3; minus strand), NPHP3-ACAD11 (NPHP3-ACAD11 readthrough (NMD candidate); minus strand). Cytogenetic location: 3q22.1.
Variant type: Duplication.
Coding change: c.3357_3379dup on transcript NM_153240.5 (MANE Select); coding-DNA positions 3357 to 3379, 23 bases duplicated (CTTAGAAATGAGGGAGCGAGTTC).
Protein change: p.Leu1127delinsProTer.
Molecular consequence: nonsense. On other transcripts: non-coding transcript variant (1).
Genome position (GRCh38, 1-based): chr3:132,684,745-132,684,767, GAACTCGCTCCCTCATTTCTAAG duplicated on the plus strand (CTTAGAAATGAGGGAGCGAGTTC on the coding strand, the reverse complement: NPHP3 is on the minus strand); duplicating any 23 consecutive bases within chr3:132,684,745-132,684,771 gives the same sequence; the c. name uses the placement nearest the transcript's 3' end. VCF-style (leftmost placement, unchanged base first): chr3-132684744-A-AGAACTCGCTCCCTCATTTCTAAG. GRCh37 (hg19) VCF-style: chr3-132403588-A-AGAACTCGCTCCCTCATTTCTAAG.
Identifiers: ClinVar variation 3383107 (VCV003383107.2).
Genomic context (GRCh38, chr3:132,684,744, plus strand): 5'-TCATTGCATAGAGCTGCCAGATTATTCAAAGACTGAGCACAGTCAGGGTGATCTGGTCCT[A>AGAACTCGCTCCCTCATTTCTAAG]GAACTCGCTCCCTCATTTCTAAGGAACGCTTCAGAAACTGGTCAGCTGTTCTGTGAACAC-3'

ClinVar aggregate classification (germline): Pathogenic (1 of 4 stars; one submission).

Conditions:
Nephronophthisis 3 (NPHP3). Also called: Adolescent nephronophthisis. Identifiers: Orphanet 655, MedGen C1858392, MONDO:0011456, OMIM 604387.
NPHP3-related Meckel-like syndrome. Also called: GOLDSTON SYNDROME; Meckel syndrome type 7. Identifiers: Orphanet 3032, MedGen C2673885, MONDO:0009966, OMIM 267010.
Renal-hepatic-pancreatic dysplasia 1 (RHPD1). Identifiers: MedGen C3715199, MONDO:0008833, OMIM 208540.

Submission:

Juno Genomics, Hangzhou Juno Genomics, Inc
Classification: Pathogenic for NPHP3-related Meckel-like syndrome; Nephronophthisis 3; Renal-hepatic-pancreatic dysplasia 1. Review status: criteria provided, single submitter. Criteria: ACMG Guidelines, 2015. Collection method: clinical testing. Allele origin: germline. Affected: yes.
Comment: Null variant in a gene where loss of function (LOF) is a known mechanism of disease.;Absent from controls (or at extremely low frequency if recessive) in Genome Aggregation Database, Exome Sequencing Project, 1000 Genomes Project, or Exome Aggregation Consortium.;For recessive disorders, detected in trans with a pathogenic variant.